The following is an entry in ClinVar:

NM_000352.6(ABCC8):c.361G>A (p.Val121Met)

Gene: ABCC8 (ATP binding cassette subfamily C member 8; minus strand). Cytogenetic location: 11p15.1.
Variant type: single nucleotide variant.
Coding change: c.361G>A on transcript NM_000352.6 (MANE Select); coding-DNA position 361, G replaced by A.
Protein change: p.Val121Met; replaces valine 121 with methionine.
Molecular consequence: missense variant. On other transcripts: non-coding transcript variant (1).
Genome position (GRCh38, 1-based): chr11:17,470,152, C>T on the plus strand (G>A on the coding strand, the complement: ABCC8 is on the minus strand). VCF-style: chr11-17470152-C-T. GRCh37 (hg19) VCF-style: chr11-17491699-C-T.
Other names: c.361G>A, p.Val121Met (NM_001287174.3, NM_001351295.2, NM_001351296.2 and 1 more transcripts); short protein forms V121M.
Identifiers: ClinVar variation 3374844 (VCV003374844.1).

ClinVar aggregate classification (germline): Uncertain significance (1 of 4 stars; one submission).

gnomAD v4.1: 8 of 1,614,098 alleles (0.0005%); highest among the groups gnomAD compares: South Asian, 0.0022%; no homozygotes.

Submission:

Women's Health and Genetics/Laboratory Corporation of America, LabCorp
Classification: Uncertain significance. Last evaluated: 2024-09-12. Review status: criteria provided, single submitter. Criteria: LabCorp Variant Classification Summary - May 2015. Collection method: clinical testing. Allele origin: germline.
Comment: Variant summary: ABCC8 c.361G>A (p.Val121Met) results in a conservative amino acid change in the encoded protein sequence. Four of five in-silico tools predict a damaging effect of the variant on protein function. The variant was absent in 251348 control chromosomes. The available data on variant occurrences in the general population are insufficient to allow any conclusion about variant significance. c.361G>A has been reported in the literature in a heterozygous individual affected with Familial Hyperinsulinism without clinical information for the variant carrier (De Franco_2020). These report(s) do not provide unequivocal conclusions about association of the variant with Familial Hyperinsulinism. To our knowledge, no experimental evidence demonstrating an impact on protein function has been reported. The following publication have been ascertained in the context of this evaluation (PMID: 32027066). No submitters have cited clinical-significance assessments for this variant to ClinVar. Based on the evidence outlined above, the variant was classified as uncertain significance.

Literature cited by the submitters: PubMed 32027066.